The following is an entry in ClinVar:

ClinVar aggregate classification (germline): Pathogenic (1 of 4 stars; one submission).

Submission:

CeGaT Center for Human Genetics Tuebingen
Classification: Pathogenic. Last evaluated: 2026-09-01. Review status: criteria provided, single submitter. Criteria: CeGaT Center For Human Genetics Tuebingen Variant Classification Criteria Version 2. Collection method: clinical testing. Allele origin: germline. Affected: yes. Observed: 2 variant alleles.
Comment: PTPRQ: PVS1, PM2, PM3

NM_001145026.2(PTPRQ):c.4173_4182del (p.Met1390_Tyr1391insTer)

Gene: PTPRQ (protein tyrosine phosphatase receptor type Q; plus strand). Cytogenetic location: 12q21.31.
Variant type: Deletion.
Coding change: c.4173_4182del on transcript NM_001145026.2 (MANE Select); coding-DNA positions 4173 to 4182, 10 bases deleted (CACTTTCATA; older notation c.4173_4182delCACTTTCATA).
Protein change: p.Met1390_Tyr1391insTer.
Molecular consequence: nonsense.
Genome position (GRCh38, 1-based): chr12:80,549,622-80,549,631, CACTTTCATA deleted; deleting any 10 consecutive bases within chr12:80,549,620-80,549,631 gives the same sequence; the c. name uses the placement nearest the transcript's 3' end. VCF-style (leftmost placement, unchanged base first): chr12-80549619-GTACACTTTCA-G. GRCh37 (hg19) VCF-style: chr12-80943398-GTACACTTTCA-G.
Identifiers: ClinVar variation 3898735 (VCV003898735.7).